The following is an entry in ClinVar:

ClinVar aggregate classification (germline): Benign/Likely benign. Review status: criteria provided, multiple submitters, no conflicts (2 of 4 stars). 6 submissions from 6 submitters: Benign (2); Likely benign (4). Last evaluated 2025-06-15.

Conditions:
Hereditary cancer-predisposing syndrome. Also called: Tumor predisposition; Hereditary neoplastic syndrome; Hereditary Cancer Syndrome; Neoplastic Syndromes, Hereditary. Identifiers: Orphanet 140162, MedGen C0027672, MeSH D009386, MONDO:0015356.
Tuberous sclerosis syndrome (TSC). Also called: Tuberous Sclerosis Complex; Tuberous sclerosis. Identifiers: Orphanet 805, MedGen C0041341, MONDO:0001734.
Tuberous sclerosis 1 (TSC1). Identifiers: Orphanet 805, MedGen C1854465, MONDO:0008612, OMIM 191100.

Submissions (6):

Labcorp Genetics (formerly Invitae), Labcorp
Classification: Likely benign for Tuberous sclerosis 1. Last evaluated: 2025-06-15. Review status: criteria provided, single submitter. Criteria: Invitae Variant Classification Sherloc (09022015). Collection method: clinical testing. Allele origin: germline.

Myriad Genetics, Inc.
Classification: Benign for Tuberous sclerosis 1. Last evaluated: 2025-04-07. Review status: criteria provided, single submitter. Criteria: Myriad Autosomal Dominant, Autosomal Recessive and X-Linked Classification Criteria (2023). Collection method: clinical testing. Allele origin: unknown.
Comment: This variant is considered benign. This variant is a silent/synonymous amino acid change and it is not expected to impact splicing.

CeGaT Center for Human Genetics Tuebingen
Classification: Likely benign. Last evaluated: 2024-01-01. Review status: criteria provided, single submitter. Criteria: CeGaT Center For Human Genetics Tuebingen Variant Classification Criteria Version 2. Collection method: clinical testing. Allele origin: germline. Affected: yes. Observed: 1 variant allele.
Comment: TSC1: PM2:Supporting, BP4, BP7

All of Us Research Program, National Institutes of Health
Classification: Likely benign for Tuberous sclerosis syndrome. Last evaluated: 2023-10-02. Review status: criteria provided, single submitter. Criteria: ACMG Guidelines, 2015. Collection method: clinical testing. Allele origin: germline. Inheritance: Autosomal dominant inheritance. Observed: 1 variant allele, 1 heterozygote.
Comment: This study involves interpretation of variants in research participants for the purpose of population health screening. Participant phenotype was not available at the time of variant classification. Additional details can be found in publication PMID: 35346344, PMCID: PMC8962531

Genome-Nilou Lab
Classification: Benign for Tuberous sclerosis 1. Last evaluated: 2021-11-07. Review status: criteria provided, single submitter. Criteria: ACMG Guidelines, 2015. Collection method: clinical testing. Allele origin: germline. Affected: no.

Ambry Genetics
Classification: Likely benign for Hereditary cancer-predisposing syndrome. Last evaluated: 2015-08-14. Review status: criteria provided, single submitter. Criteria: Ambry Variant Classification Scheme 2023. Collection method: clinical testing. Allele origin: germline.

NM_000368.5(TSC1):c.171A>G (p.Ala57=)

Gene: TSC1 (TSC complex subunit 1; minus strand). Cytogenetic location: 9q34.13.
Variant type: single nucleotide variant.
Coding change: c.171A>G on transcript NM_000368.5 (MANE Select); coding-DNA position 171, A replaced by G.
Protein change: p.Ala57=; no amino-acid change (alanine 57 retained).
Molecular consequence: synonymous variant. On other transcripts: intron variant (1).
Genome position (GRCh38, 1-based): chr9:132,927,240, T>C on the plus strand (A>G on the coding strand, the complement: TSC1 is on the minus strand). VCF-style: chr9-132927240-T-C. GRCh37 (hg19) VCF-style: chr9-135802627-T-C.
Other names: c.171A>G, p.Ala57= (NM_001162426.2, NM_001162427.2); c.-153-1501A>G (NM_001362177.2).
Identifiers: ClinVar variation 416653 (VCV000416653.42), dbSNP rs1060504853, ClinGen allele CA16612597.